The following is an entry in ClinVar:

ClinVar aggregate classification (germline): Uncertain significance. Review status: criteria provided, single submitter (1 of 4 stars). 2 submissions from 1 submitter: Uncertain significance (2). Last evaluated 2023-11-16.

Conditions:
SH2B1-associated obesity.
SH2B1-associated disorder.

Submissions (2):

Institute of Human Genetics, University of Leipzig Medical Center
Classification: Uncertain significance for SH2B1-associated disorder. Last evaluated: 2023-11-16. Review status: criteria provided, single submitter. Criteria: ACMG Guidelines, 2015. Collection method: clinical testing. Allele origin: unknown. Inheritance: Autosomal dominant inheritance. Affected: yes.
Comment: Criteria applied: PVS1_STR,PM2_SUP

Institute of Human Genetics, University of Leipzig Medical Center
Classification: Uncertain significance for SH2B1-associated obesity. Last evaluated: 2023-11-16. Review status: criteria provided, single submitter. Criteria: ACMG Guidelines, 2015. Collection method: clinical testing. Allele origin: maternal. Inheritance: Autosomal dominant inheritance. Affected: yes.
Comment: Criteria applied: PVS1_STR,PM2

Literature cited by the submitters: PubMed 23160192.

NM_001387430.1(SH2B1):c.737_749del (p.Met246fs)

Gene: SH2B1 (SH2B adaptor protein 1; plus strand). Cytogenetic location: 16p11.2.
Variant type: Deletion.
Coding change: c.737_749del on transcript NM_001387430.1 (MANE Select); coding-DNA positions 737 to 749, 13 bases deleted (TGGTGCAGAGGGA).
Protein change: p.Met246fs; shifts the reading frame from methionine 246.
Molecular consequence: frameshift variant. On other transcripts: intron variant (1).
Genome position (GRCh38, 1-based): chr16:28,866,831-28,866,843, TGGTGCAGAGGGA deleted; deleting any 13 consecutive bases within chr16:28,866,826-28,866,843 gives the same sequence; the c. name uses the placement nearest the transcript's 3' end. VCF-style (leftmost placement, unchanged base first): chr16-28866825-CAGGGATGGTGCAG-C. GRCh37 (hg19) VCF-style: chr16-28878146-CAGGGATGGTGCAG-C.
Other names: c.737_749del, p.Met246fs (NM_001145795.2, NM_001145796.2, NM_001145797.2 and 4 more transcripts); c.-26-543_-26-531del (NM_001308294.2); short protein forms M246fs.
Identifiers: ClinVar variation 2664975 (VCV002664975.3), dbSNP rs2544870778, ClinGen allele CA2695197631.